The following is an entry in ClinVar:

NM_000540.3(RYR1):c.12971C>G (p.Thr4324Arg)

Gene: RYR1 (ryanodine receptor 1; plus strand). Cytogenetic location: 19q13.2.
Variant type: single nucleotide variant.
Coding change: c.12971C>G on transcript NM_000540.3 (MANE Select); coding-DNA position 12971, C replaced by G.
Protein change: p.Thr4324Arg; replaces threonine 4324 with arginine.
Molecular consequence: missense variant.
Genome position (GRCh38, 1-based): chr19:38,565,305, C>G. VCF-style: chr19-38565305-C-G. GRCh37 (hg19) VCF-style: chr19-39055945-C-G.
Other names: c.12956C>G, p.Thr4319Arg (NM_001042723.2); short protein forms T4319R, T4324R.
Identifiers: ClinVar variation 3026046 (VCV003026046.22), dbSNP rs1973352010, ClinGen allele CA405672781.

ClinVar aggregate classification (germline): Uncertain significance (1 of 4 stars; one submission).

gnomAD v4.1: 22 of 1,100,946 alleles (0.002%); highest among the groups gnomAD compares: Non-Finnish European, 0.0024%; no homozygotes.

Submission:

CeGaT Center for Human Genetics Tuebingen
Classification: Uncertain significance. Last evaluated: 2024-01-01. Review status: criteria provided, single submitter. Criteria: CeGaT Center For Human Genetics Tuebingen Variant Classification Criteria Version 2. Collection method: clinical testing. Allele origin: germline. Affected: yes. Observed: 1 variant allele.
Comment: RYR1: PM2, PP3